The following is an entry in ClinVar:

ClinVar aggregate classification (germline): Benign. Review status: criteria provided, multiple submitters, no conflicts (2 of 4 stars). 2 submissions from 2 submitters: Benign (2). Last evaluated 2018-01-13.

Conditions:
Sialuria. Also called: SIALURIA, FRENCH TYPE; Sialic Acid Storage Disease. Identifiers: Orphanet 3166, MedGen C0342853, MONDO:0010028, OMIM 269921.

Allele frequency attached by ClinVar (database versions not stated): ExAC 0.00122; gnomAD exomes 0.00209 and 0.00358; gnomAD 0.01785 and 0.01927; 1000 Genomes Project 0.01817; 1000 Genomes Project 30x 0.01999; TOPMed 0.02018.
gnomAD v4.1: 3,300 of 453,164 alleles (0.73%); highest among the groups gnomAD compares: African/African-American, 6.1%; 104 homozygotes.

Submissions (2):

Illumina Laboratory Services, Illumina
Classification: Benign for Sialuria. Last evaluated: 2018-01-13. Review status: criteria provided, single submitter. Criteria: ICSL Variant Classification Criteria 13 December 2019. Collection method: clinical testing. Allele origin: germline.
Comment: This variant was observed in the ICSL laboratory as part of a predisposition screen in an ostensibly healthy population. It had not been previously curated by ICSL or reported in the Human Gene Mutation Database (HGMD: prior to June 1st, 2018), and was therefore a candidate for classification through an automated scoring system. Utilizing variant allele frequency, disease prevalence and penetrance estimates, and inheritance mode, an automated score was calculated to assess if this variant is too frequent to cause the disease. Based on the score and internal cut-off values, a variant classified as benign is not then subjected to further curation. The score for this variant resulted in a classification of benign for this disease.

Breakthrough Genomics
Classification: Benign. Review status: criteria provided, single submitter. Criteria: ACMG Guidelines, 2015. Collection method: not provided. Allele origin: germline. Inheritance: Autosomal recessive inheritance. Affected: yes.

NM_005476.7(GNE):c.*1054C>A

Gene: GNE (glucosamine (UDP-N-acetyl)-2-epimerase/N-acetylmannosamine kinase; minus strand). Cytogenetic location: 9p13.3.
Variant type: single nucleotide variant.
Coding change: c.*1054C>A on transcript NM_005476.7 (MANE Select); 1054 bases downstream of the stop codon, C replaced by A.
Molecular consequence: 3 prime UTR variant.
Genome position (GRCh38, 1-based): chr9:36,216,311, G>T on the plus strand (C>A on the coding strand, the complement: GNE is on the minus strand). VCF-style: chr9-36216311-G-T. GRCh37 (hg19) VCF-style: chr9-36216308-G-T.
Other names: c.*1054C>A (NM_001128227.3, NM_001190383.3, NM_001190384.3 and 3 more transcripts).
Identifiers: ClinVar variation 366817 (VCV000366817.7), dbSNP rs7048468, ClinGen allele CA5056319.